The following is an entry in ClinVar:

ClinVar aggregate classification (germline): Benign (1 of 4 stars; one submission).

Conditions:
SYNM-related disorder. Also called: SYNM-related condition.

Allele frequency attached by ClinVar (database versions not stated): gnomAD exomes below 0.00001.
gnomAD v4.1: 2 of 1,613,482 alleles (0.00012%); highest among the groups gnomAD compares: South Asian, 0.0011%; no homozygotes.

Submission:

PreventionGenetics, part of Exact Sciences
Classification: Benign for SYNM-related condition. Last evaluated: 2019-07-16. Review status: criteria provided, single submitter. Criteria: ACMG Guidelines, 2015. Collection method: clinical testing. Allele origin: germline.
Comment: This variant is classified as benign based on ACMG/AMP sequence variant interpretation guidelines (Richards et al. 2015 PMID: 25741868, with internal and published modifications).

NM_145728.3(SYNM):c.2281C>T (p.Pro761Ser)

Gene: SYNM (synemin; plus strand). Cytogenetic location: 15q26.3.
Variant type: single nucleotide variant.
Coding change: c.2281C>T on transcript NM_145728.3 (MANE Select); coding-DNA position 2281, C replaced by T.
Protein change: p.Pro761Ser; replaces proline 761 with serine.
Molecular consequence: missense variant.
Genome position (GRCh38, 1-based): chr15:99,130,641, C>T. VCF-style: chr15-99130641-C-T. GRCh37 (hg19) VCF-style: chr15-99670846-C-T.
Other names: c.2281C>T, p.Pro761Ser (NM_015286.6); short protein forms P761S.
Identifiers: ClinVar variation 3035289 (VCV003035289.1), dbSNP rs2543114899, ClinGen allele CA393660073.
Genomic context (GRCh38, chr15:99,130,641, plus strand): 5'-GCAAAGGTCGTCAACGTGGAGATCGTGGAGGAGCCCGTGAGTTATGTCAGCGGGGAGAAG[C>T]CGGAGGAGTTTTCCGTCCCATTCAAAGTGGAGGAGGTCGAAGATGTGTCGCCAGGCCCCT-3'
Protein context (NP_663780.2, residues 751-771): EPVSYVSGEK[Pro761Ser]EEFSVPFKVE